The following is an entry in ClinVar:

ClinVar aggregate classification (germline): Likely pathogenic (1 of 4 stars; one submission).

Conditions:
Familial thoracic aortic aneurysm and aortic dissection (TAAD). Also called: Thoracic aortic aneurysms and dissections. Identifiers: Orphanet 91387, MedGen C4707243, MONDO:0019625.

Submission:

Ambry Genetics
Classification: Likely pathogenic for Familial thoracic aortic aneurysm and aortic dissection. Last evaluated: 2023-08-28. Review status: criteria provided, single submitter. Criteria: Ambry Variant Classification Scheme 2023. Collection method: clinical testing. Allele origin: germline.
Comment: The c.582+2_582+16del15 variant results from a deletion of 15 nucleotides between positions c.582+2 and c.582+16 and involves the canonical splice donor site after coding exon 6 of the COL3A1 gene. This variant is considered to be rare based on population cohorts in the Genome Aggregation Database (gnomAD). The canonical splice donor site is highly conserved in available vertebrate species. In silico splice site analysis predicts that this alteration will weaken the native splice donor site; however, the exact impact of this deletion on COL3A1 splicing and function is currently unknown. Another alteration impacting the same donor site (c.582+6T>C) has been detected in a patient with features of vascular Ehlers-Danlos syndrome, and has been show to result in aberrant splicing in functional studies (Lloyd J et al. J Med Genet. 1993 May;30(5):376-80). Alterations that disrupt the canonical splice site are expected to cause aberrant splicing, resulting in an abnormal protein or a transcript that is subject to nonsense-mediated mRNA decay. As such, this alteration is classified as likely pathogenic.

NM_000090.4(COL3A1):c.582+2_582+16del

Gene: COL3A1 (collagen type III alpha 1 chain; plus strand). Cytogenetic location: 2q32.2.
Variant type: Deletion.
Coding change: c.582+2_582+16del on transcript NM_000090.4 (MANE Select); the canonical splice donor site of the intron after coding-DNA position 582 through 16 bases into the intron after coding-DNA position 582, 15 bases deleted (TAAGTATAGCCATTG).
Molecular consequence: splice donor variant.
Genome position (GRCh38, 1-based): chr2:188,988,136-188,988,150, TAAGTATAGCCATTG deleted; deleting any 15 consecutive bases within chr2:188,988,134-188,988,150 gives the same sequence; the c. name uses the placement nearest the transcript's 3' end. VCF-style (leftmost placement, unchanged base first): chr2-188988133-CTGTAAGTATAGCCAT-C. GRCh37 (hg19) VCF-style: chr2-189852859-CTGTAAGTATAGCCAT-C.
Identifiers: ClinVar variation 2586767 (VCV002586767.2), dbSNP rs2469113459, ClinGen allele CA2582342050.